The following is an entry in ClinVar:

NM_006767.4(LZTR1):c.795G>A (p.Trp265Ter)

Gene: LZTR1 (leucine zipper like post translational regulator 1; plus strand). Cytogenetic location: 22q11.21.
Variant type: single nucleotide variant.
Coding change: c.795G>A on transcript NM_006767.4 (MANE Select); coding-DNA position 795, G replaced by A.
Protein change: p.Trp265Ter; replaces tryptophan 265 with a stop codon.
Molecular consequence: nonsense.
Genome position (GRCh38, 1-based): chr22:20,991,631, G>A. VCF-style: chr22-20991631-G-A. GRCh37 (hg19) VCF-style: chr22-21345920-G-A.
Other names: short protein forms W265*.
Identifiers: ClinVar variation 3704890 (VCV003704890.2).

ClinVar aggregate classification (germline): Pathogenic (1 of 4 stars; one submission).

Submission:

Labcorp Genetics (formerly Invitae), Labcorp
Classification: Pathogenic. Last evaluated: 2025-12-17. Review status: criteria provided, single submitter. Criteria: Invitae Variant Classification Sherloc (09022015). Collection method: clinical testing. Allele origin: germline.
Comment: This sequence change creates a premature translational stop signal (p.Trp265*) in the LZTR1 gene. It is expected to result in an absent or disrupted protein product. Loss-of-function variants in LZTR1 are known to be pathogenic (PMID: 24362817, 25335493, 25480913, 25795793, 29469822, 30368668, 30442762, 30442766, 30481304, 30859559). This variant is not present in population databases (gnomAD no frequency). This variant has not been reported in the literature in individuals affected with LZTR1-related conditions. ClinVar contains an entry for this variant (Variation ID: 3704890). For these reasons, this variant has been classified as Pathogenic.

Literature cited by the submitters: PubMed 24362817; PubMed 25335493; PubMed 25480913; PubMed 25795793; PubMed 29469822; PubMed 30368668; PubMed 30442762; PubMed 30442766; PubMed 30481304; PubMed 30859559.